The following is an entry in ClinVar:

ClinVar aggregate classification (germline): Uncertain significance. Review status: criteria provided, multiple submitters, no conflicts (2 of 4 stars). 2 submissions from 2 submitters: Uncertain significance (2). Last evaluated 2025-02-19.

Conditions:
Inborn genetic diseases. Identifiers: MedGen C0950123, MeSH D030342.
LMAN1-related disorder. Also called: LMAN1-related condition.

gnomAD v4.1: 2 of 1,613,546 alleles (0.00012%); no homozygotes.

Submissions (2):

Ambry Genetics
Classification: Uncertain significance for Inborn genetic diseases. Last evaluated: 2025-02-19. Review status: criteria provided, single submitter. Criteria: Ambry Variant Classification Scheme 2023. Collection method: clinical testing. Allele origin: germline.

PreventionGenetics, part of Exact Sciences
Classification: Uncertain significance for LMAN1-related condition. Last evaluated: 2022-10-11. Review status: criteria provided, single submitter. Criteria: ACMG Guidelines, 2015. Collection method: clinical testing. Allele origin: germline.
Comment: The LMAN1 c.877T>A variant is predicted to result in the amino acid substitution p.Phe293Ile. To our knowledge, this variant has not been reported in the literature or in a large population database, indicating this variant is rare. At this time, the clinical significance of this variant is uncertain due to the absence of conclusive functional and genetic evidence.

NM_005570.4(LMAN1):c.877T>A (p.Phe293Ile)

Gene: LMAN1 (lectin, mannose binding 1; minus strand). Cytogenetic location: 18q21.32.
Variant type: single nucleotide variant.
Coding change: c.877T>A on transcript NM_005570.4 (MANE Select); coding-DNA position 877, T replaced by A.
Protein change: p.Phe293Ile; replaces phenylalanine 293 with isoleucine.
Molecular consequence: missense variant.
Genome position (GRCh38, 1-based): chr18:59,345,997, A>T on the plus strand (T>A on the coding strand, the complement: LMAN1 is on the minus strand). VCF-style: chr18-59345997-A-T. GRCh37 (hg19) VCF-style: chr18-57013229-A-T.
Other names: short protein forms F293I.
Identifiers: ClinVar variation 2635026 (VCV002635026.2), dbSNP rs2511512259, ClinGen allele CA402592873.
Genomic context (GRCh38, chr18:59,345,997, plus strand): 5'-CGGGGTGGCCCTTCTGGAATTCCTCTTTTTTTTTATCCAATTCTTGTTGAAAGTGCTCAA[A>T]TTCCTCCTGATACTTTTCTTTTTCCTTTTCCGAAATTTCTTTATCTGGTGTGGGCTTTTT-3'
Protein context (NP_005561.1, residues 283-303): EKEKEKYQEE[Phe293Ile]EHFQQELDKK